The following is an entry in ClinVar:

ClinVar aggregate classification (germline): Uncertain significance. Review status: criteria provided, multiple submitters, no conflicts (2 of 4 stars). 2 submissions from 2 submitters: Uncertain significance (2). Last evaluated 2022-02-09.

Conditions:
Inborn genetic diseases. Identifiers: MedGen C0950123, MeSH D030342.
Charcot-Marie-Tooth disease type 4. Also called: Charcot-Marie-Tooth disease, type IV; Charcot-Marie-Tooth, Type 4. Identifiers: Orphanet 64749, MedGen C4082197, MONDO:0018995.

gnomAD v4.1: 4 of 1,614,028 alleles (0.00025%); highest among the groups gnomAD compares: Non-Finnish European, 0.00025%; no homozygotes.

Submissions (2):

Labcorp Genetics (formerly Invitae), Labcorp
Classification: Uncertain significance for Charcot-Marie-Tooth disease type 4. Last evaluated: 2022-02-09. Review status: criteria provided, single submitter. Criteria: Invitae Variant Classification Sherloc (09022015). Collection method: clinical testing. Allele origin: germline.
Comment: In summary, the available evidence is currently insufficient to determine the role of this variant in disease. Therefore, it has been classified as a Variant of Uncertain Significance. This sequence change replaces arginine, which is basic and polar, with leucine, which is neutral and non-polar, at codon 754 of the PRX protein (p.Arg754Leu). This variant is present in population databases (rs760071236, gnomAD 0.0009%). This variant has not been reported in the literature in individuals affected with PRX-related conditions. Algorithms developed to predict the effect of missense changes on protein structure and function are either unavailable or do not agree on the potential impact of this missense change (SIFT: "Deleterious"; PolyPhen-2: "Benign"; Align-GVGD: "Class C0").

Ambry Genetics
Classification: Uncertain significance for Inborn genetic diseases. Last evaluated: 2019-11-08. Review status: criteria provided, single submitter. Criteria: Ambry Variant Classification Scheme 2023. Collection method: clinical testing. Allele origin: germline.
Comment: The p.R754L variant (also known as c.2261G>T), located in coding exon 4 of the PRX gene, results from a G to T substitution at nucleotide position 2261. The arginine at codon 754 is replaced by leucine, an amino acid with dissimilar properties. This amino acid position is not well conserved in available vertebrate species. In addition, this alteration is predicted to be tolerated by in silico analysis. Since supporting evidence is limited at this time, the clinical significance of this alteration remains unclear.

NM_181882.3(PRX):c.2261G>T (p.Arg754Leu)

Gene: PRX (periaxin; minus strand). Cytogenetic location: 19q13.2.
Variant type: single nucleotide variant.
Coding change: c.2261G>T on transcript NM_181882.3 (MANE Select); coding-DNA position 2261, G replaced by T.
Protein change: p.Arg754Leu; replaces arginine 754 with leucine.
Molecular consequence: missense variant. On other transcripts: 3 prime UTR variant (1).
Genome position (GRCh38, 1-based): chr19:40,396,091, C>A on the plus strand (G>T on the coding strand, the complement: PRX is on the minus strand). VCF-style: chr19-40396091-C-A. GRCh37 (hg19) VCF-style: chr19-40901998-C-A.
Other names: c.2546G>T, p.Arg849Leu (NM_001411127.1); c.*2466G>T (NM_020956.2); short protein forms R849L, R754L.
Identifiers: ClinVar variation 1788647 (VCV001788647.6), dbSNP rs760071236, ClinGen allele CA9444095.